The following is an entry in ClinVar:

ClinVar aggregate classification (germline): Likely pathogenic. Review status: criteria provided, multiple submitters, no conflicts (2 of 4 stars). 2 submissions from 2 submitters: Likely pathogenic (2). Last evaluated 2025-07-22.

Conditions:
Cardiovascular phenotype. Identifiers: MedGen CN230736.

Submissions (2):

ARUP Laboratories, Molecular Genetics and Genomics, ARUP Laboratories
Classification: Likely pathogenic. Last evaluated: 2025-07-22. Review status: criteria provided, single submitter. Criteria: ARUP Molecular Germline Variant Investigation Process 2024. Collection method: clinical testing. Allele origin: germline.
Comment: The TTN c.46421_46422del; p.Phe15474CysfsTer7 variant, to our knowledge, is not reported in the medical literature but is reported in ClinVar (Variation ID: 1782701). This variant is absent from the Genome Aggregation Database (v2.1.1), indicating it is not a common polymorphism. This variant is in an exon that is spliced into 100% of TTN transcripts (Roberts 2015) and causes a frameshift by deleting 2 nucleotides, so it is predicted to result in a truncated protein or mRNA subject to nonsense-mediated decay. Based on available information, this variant is considered to be likely pathogenic. References: Linke WA and Hamdani N. Gigantic business: titin properties and function through thick and thin. Circ Res 2014; 114(6): 1052-1068. PMID: 24625729. Roberts AM et al. Integrated allelic, transcriptional, and phenomic dissection of the cardiac effects of titin truncations in health and disease. Sci Transl Med. 2015. PMID: 25589632.

Ambry Genetics
Classification: Likely pathogenic for Cardiovascular phenotype. Last evaluated: 2022-03-17. Review status: criteria provided, single submitter. Criteria: Ambry Variant Classification Scheme 2023. Collection method: clinical testing. Allele origin: germline.
Comment: The c.19226_19227delTT variant, located in coding exon 76 of the TTN gene, results from a deletion of two nucleotides at nucleotide positions 19226 to 19227, causing a translational frameshift with a predicted alternate stop codon (p.F6409Cfs*7). This exon is located in the I-band region of the N2-B isoform of the titin protein and is constitutively expressed in TTN transcripts (percent spliced in or PSI 100%). This variant is considered to be rare based on population cohorts in the Genome Aggregation Database (gnomAD). This alteration is expected to result in loss of function by premature protein truncation or nonsense-mediated mRNA decay. While truncating variants in TTN are present in 1-3% of the general population, truncating variants in the A-band are the most common cause of dilated cardiomyopathy (DCM) (Herman DS et al. N. Engl. J. Med., 2012 Feb;366:619-28; Roberts AM et al. Sci Transl Med, 2015 Jan;7:270ra6). TTN truncating variants encoded in constitutive exons (PSI >90%) have been found to be significantly associated with DCM regardless of their position in titin (Schafer S et al. Nat. Genet., 2017 01;49:46-53). As such, this alteration is classified as likely pathogenic.

NM_001267550.2(TTN):c.46421_46422del (p.Phe15474fs)

Genes: TTN (titin; minus strand), TTN-AS1 (TTN antisense RNA 1; plus strand). Cytogenetic location: 2q31.2.
Variant type: Deletion.
Coding change: c.46421_46422del on transcript NM_001267550.2 (MANE Select); coding-DNA positions 46421 to 46422, 2 bases deleted (TT; older notation c.46421_46422delTT).
Protein change: p.Phe15474fs; shifts the reading frame from phenylalanine 15474.
Molecular consequence: frameshift variant. On other transcripts: non-coding transcript variant (1).
Genome position (GRCh38, 1-based): chr2:178,619,995-178,619,996, AA deleted on the plus strand (TT on the coding strand, the reverse complement: TTN is on the minus strand); deleting any 2 consecutive bases within chr2:178,619,995-178,619,999 gives the same sequence; the c. name uses the placement nearest the transcript's 3' end. VCF-style (leftmost placement, unchanged base first): chr2-178619994-CAA-C. GRCh37 (hg19) VCF-style: chr2-179484721-CAA-C.
Other names: c.19226_19227delTT (NM_003319.4); c.41498_41499del, p.Phe13833fs (NM_001256850.1); c.19226_19227del, p.Phe6409fs (NM_003319.4); c.38717_38718del, p.Phe12906fs (NM_133378.4); c.19601_19602del, p.Phe6534fs (NM_133432.3); c.19802_19803del, p.Phe6601fs (NM_133437.4); short protein forms F15474fs, F6601fs, F12906fs, F6409fs, F6534fs, F13833fs.
Identifiers: ClinVar variation 1782701 (VCV001782701.3), dbSNP rs2470982805, ClinGen allele CA2580064989.